The following is an entry in ClinVar:

ClinVar aggregate classification (germline): Uncertain significance (1 of 4 stars; one submission).

Conditions:
Hypoplastic left heart syndrome. Also called: Hypoplastic left heart; Hypoplastic left ventricle. Identifiers: Orphanet 2248, MedGen C0152101, MONDO:0004933, HP:0004383.

gnomAD v4.1: 2 of 1,598,054 alleles (0.00013%); highest among the groups gnomAD compares: Non-Finnish European, 0.00017%; no homozygotes.

Submission:

Labcorp Genetics (formerly Invitae), Labcorp
Classification: Uncertain significance for Hypoplastic left heart syndrome. Last evaluated: 2024-08-02. Review status: criteria provided, single submitter. Criteria: Invitae Variant Classification Sherloc (09022015). Collection method: clinical testing. Allele origin: germline.
Comment: This sequence change replaces alanine, which is neutral and non-polar, with serine, which is neutral and polar, at codon 8 of the HAND1 protein (p.Ala8Ser). This variant is present in population databases (rs371033200, gnomAD 0.002%). This variant has not been reported in the literature in individuals affected with HAND1-related conditions. An algorithm developed to predict the effect of missense changes on protein structure and function outputs the following: PolyPhen-2: "Benign". The serine amino acid residue is found in multiple mammalian species, which suggests that this missense change does not adversely affect protein function. In summary, the available evidence is currently insufficient to determine the role of this variant in disease. Therefore, it has been classified as a Variant of Uncertain Significance.

NM_004821.3(HAND1):c.22G>T (p.Ala8Ser)

Gene: HAND1 (heart and neural crest derivatives expressed 1; minus strand). Cytogenetic location: 5q33.2.
Variant type: single nucleotide variant.
Coding change: c.22G>T on transcript NM_004821.3 (MANE Select); coding-DNA position 22, G replaced by T.
Protein change: p.Ala8Ser; replaces alanine 8 with serine.
Molecular consequence: missense variant.
Genome position (GRCh38, 1-based): chr5:154,477,987, C>A on the plus strand (G>T on the coding strand, the complement: HAND1 is on the minus strand). VCF-style: chr5-154477987-C-A. GRCh37 (hg19) VCF-style: chr5-153857547-C-A.
Other names: short protein forms A8S.
Identifiers: ClinVar variation 3696009 (VCV003696009.2).